The following is an entry in ClinVar:

ClinVar aggregate classification (germline): Pathogenic (1 of 4 stars; one submission).

Conditions:
Polycystic kidney disease 4 (PKD4). Also called: POLYCYSTIC KIDNEY AND HEPATIC DISEASE 1; POLYCYSTIC KIDNEY DISEASE, INFANTILE, TYPE I; POLYCYSTIC KIDNEY DISEASE 4 WITH OR WITHOUT POLYCYSTIC LIVER DISEASE; PKD3; Autosomal Recessive Polycystic Kidney Disease – PKHD1. Identifiers: MedGen C4540575, MONDO:0033004, OMIM 263200.

Submission:

Myriad Genetics, Inc.
Classification: Pathogenic for Polycystic kidney disease 4. Last evaluated: 2023-08-08. Review status: criteria provided, single submitter. Criteria: Myriad Autosomal Dominant, Autosomal Recessive and X-Linked Classification Criteria (2023). Collection method: clinical testing. Allele origin: unknown.
Comment: NM_138694.3(PKHD1):c.2247delG(C750Vfs*27) is expected to be pathogenic in the context of autosomal recessive polycystic kidney disease, PKHD1-related. This variant is predicted to lead to an abnormal or absent protein product due to the creation of a premature termination codon in PKHD1, a gene where loss-of-function variants are known to be pathogenic. Please note: this variant was assessed in the context of healthy population screening.

NM_138694.4(PKHD1):c.2247del (p.Cys750fs)

Gene: PKHD1 (PKHD1 ciliary IPT domain containing fibrocystin/polyductin; minus strand). Cytogenetic location: 6p12.2.
Variant type: Deletion.
Coding change: c.2247del on transcript NM_138694.4 (MANE Select); coding-DNA position 2247, one base deleted (G; older notation c.2247delG).
Protein change: p.Cys750fs; shifts the reading frame from cysteine 750.
Molecular consequence: frameshift variant.
Genome position (GRCh38, 1-based): chr6:52,050,189, C deleted on the plus strand (G on the coding strand, the reverse complement: PKHD1 is on the minus strand); the first of 4 consecutive C bases (chr6:52,050,189-52,050,192); deleting any one gives the same sequence. VCF-style (leftmost placement, unchanged base first): chr6-52050188-AC-A. GRCh37 (hg19) VCF-style: chr6-51914986-AC-A.
Other names: c.2247del, p.Cys750fs (NM_170724.3); short protein forms C750fs.
Identifiers: ClinVar variation 5011269 (VCV005011269.1).